The following is an entry in ClinVar:

ClinVar aggregate classification (germline): Pathogenic. Review status: criteria provided, single submitter (1 of 4 stars). 2 submissions from 2 submitters: Pathogenic (1). 1 of the submissions does not count toward it. Last evaluated 2025-12-24.

Conditions:
Tuberous sclerosis syndrome (TSC). Also called: Tuberous Sclerosis Complex; Tuberous sclerosis. Identifiers: Orphanet 805, MedGen C0041341, MONDO:0001734.
Tuberous sclerosis 2 (TSC2). Identifiers: Orphanet 805, MedGen C1860707, MONDO:0013199, OMIM 613254.

Submissions (2):

Labcorp Genetics (formerly Invitae), Labcorp
Classification: Pathogenic for Tuberous sclerosis 2. Last evaluated: 2025-12-24. Review status: criteria provided, single submitter. Criteria: Invitae Variant Classification Sherloc (09022015). Collection method: clinical testing. Allele origin: germline.
Comment: This sequence change affects a donor splice site in intron 18 of the TSC2 gene. It is expected to disrupt RNA splicing. Variants that disrupt the donor or acceptor splice site typically lead to a loss of protein function (PMID: 16199547), and loss-of-function variants in TSC2 are known to be pathogenic (PMID: 10205261, 17304050). This variant is not present in population databases (gnomAD no frequency). Disruption of this splice site has been observed in individual(s) with tuberous sclerosis complex (PMID: 27859028). ClinVar contains an entry for this variant (Variation ID: 64998). Algorithms developed to predict the effect of sequence changes on RNA splicing suggest that this variant may disrupt the consensus splice site. For these reasons, this variant has been classified as Pathogenic.

Tuberous sclerosis database (TSC2)
No classification provided. Condition: TSC. Review status: no classification provided. Criteria: Tuberous Sclerosis Database Assertion Criteria 2015. Collection method: curation. Allele origin: germline. Affected: yes. Not counted in ClinVar's aggregate classification.

Literature cited by the submitters: PubMed 16199547 (cited by Labcorp Genetics (formerly Invitae), Labcorp); PubMed 10205261 (cited by Labcorp Genetics (formerly Invitae), Labcorp); PubMed 17304050 (cited by Labcorp Genetics (formerly Invitae), Labcorp); PubMed 27859028 (cited by Labcorp Genetics (formerly Invitae), Labcorp).

NM_000548.5(TSC2):c.1946+1G>C

Gene: TSC2 (TSC complex subunit 2; plus strand). Cytogenetic location: 16p13.3.
Variant type: single nucleotide variant.
Coding change: c.1946+1G>C on transcript NM_000548.5 (MANE Select); the canonical splice donor site of the intron after coding-DNA position 1946, G replaced by C.
Molecular consequence: splice donor variant.
Genome position (GRCh38, 1-based): chr16:2,071,617, G>C. VCF-style: chr16-2071617-G-C. GRCh37 (hg19) VCF-style: chr16-2121618-G-C.
Other names: c.602+1G>C (NM_001406693.1, NM_001406689.1, NM_001406690.1 and 6 more transcripts); c.2036+1G>C (NM_001406667.1, NM_001406668.1); c.1346+1G>C (NM_001406680.1, NM_001406683.1, NM_001406687.1 and 6 more transcripts); c.344+1G>C (NM_001406698.1); c.1946+1G>C (NM_001114382.3, NM_001406663.1, NM_001406664.1 and 6 more transcripts); c.1934+1G>C (NM_001406671.1, NM_001406673.1); c.1484+1G>C (NM_001406681.1); c.1835+1G>C (NM_001406670.1, NM_001318827.2, NM_001406678.1); and 3 more.
Identifiers: ClinVar variation 64998 (VCV000064998.3), dbSNP rs397514994, ClinGen allele CA016266.